The following is an entry in ClinVar:

NM_024870.4(PREX2):c.3652A>G (p.Ile1218Val)

Gene: PREX2 (phosphatidylinositol-3,4,5-trisphosphate dependent Rac exchange factor 2; plus strand). Cytogenetic location: 8q13.2.
Variant type: single nucleotide variant.
Coding change: c.3652A>G on transcript NM_024870.4 (MANE Select); coding-DNA position 3652, A replaced by G.
Protein change: p.Ile1218Val; replaces isoleucine 1218 with valine.
Molecular consequence: missense variant.
Genome position (GRCh38, 1-based): chr8:68,120,977, A>G. VCF-style: chr8-68120977-A-G. GRCh37 (hg19) VCF-style: chr8-69033212-A-G.
Other names: short protein forms I1218V.
Identifiers: ClinVar variation 3055799 (VCV003055799.2), dbSNP rs61753702, ClinGen allele CA4774533.
Genomic context (GRCh38, chr8:68,120,977, plus strand): 5'-TTAGAATTTCAACAGGAAATGGAACCAAAGCTGAGTTGTCCAAAAAGGCTACGGCTTCAT[A>G]TCAAGCAAGATCCTTGGAATCTTCCCAGCAGCGTCCGGACTCTTGCTCAGAACATCAGGA-3'
Protein context (NP_079146.2, residues 1208-1228): LSCPKRLRLH[Ile1218Val]KQDPWNLPSS

ClinVar aggregate classification (germline): Benign (0 of 4 stars; one submission).

Conditions:
PREX2-related disorder. Also called: PREX2-related condition.

Allele frequency attached by ClinVar (database versions not stated): gnomAD exomes 0.00647; ExAC 0.01682; gnomAD 0.04332; TOPMed 0.04917; 1000 Genomes Project 0.05112; ESP Exome Variant Server 0.05136; 1000 Genomes Project 30x 0.05403.
gnomAD v4.1: 16,484 of 1,613,734 alleles (1%); highest among the groups gnomAD compares: African/African-American, 14%; 841 homozygotes.

Submission:

PreventionGenetics, part of Exact Sciences
Classification: Benign for PREX2-related condition. Last evaluated: 2019-08-28. Review status: no assertion criteria provided. Collection method: clinical testing. Allele origin: germline.
Comment: This variant is classified as benign based on ACMG/AMP sequence variant interpretation guidelines (Richards et al. 2015 PMID: 25741868, with internal and published modifications).